The following is an entry in ClinVar:

NM_003677.5(DENR):c.264G>A (p.Gly88=)

Gene: DENR (density regulated re-initiation and release factor; plus strand). Cytogenetic location: 12q24.31.
Variant type: single nucleotide variant.
Coding change: c.264G>A on transcript NM_003677.5 (MANE Select); coding-DNA position 264, G replaced by A.
Protein change: p.Gly88=; no amino-acid change (glycine 88 retained).
Molecular consequence: synonymous variant.
Genome position (GRCh38, 1-based): chr12:122,765,356, G>A. VCF-style: chr12-122765356-G-A. GRCh37 (hg19) VCF-style: chr12-123249903-G-A.
Identifiers: ClinVar variation 3051717 (VCV003051717.2), dbSNP rs533454330, ClinGen allele CA6850150.

ClinVar aggregate classification (germline): Likely benign (0 of 4 stars; one submission).

Conditions:
DENR-related disorder. Also called: DENR-related condition.

Allele frequency attached by ClinVar (database versions not stated): TOPMed 0.00001; gnomAD 0.00005; gnomAD exomes 0.00007; 1000 Genomes Project 30x 0.00016; 1000 Genomes Project 0.00020; ExAC 0.00053.

Submission:

PreventionGenetics, part of Exact Sciences
Classification: Likely benign for DENR-related condition. Last evaluated: 2020-01-06. Review status: no assertion criteria provided. Collection method: clinical testing. Allele origin: germline.
Comment: This variant is classified as likely benign based on ACMG/AMP sequence variant interpretation guidelines (Richards et al. 2015 PMID: 25741868, with internal and published modifications).